The following is an entry in ClinVar:

ClinVar aggregate classification (germline): Uncertain significance (1 of 4 stars; one submission).

Conditions:
Paroxysmal nonkinesigenic dyskinesia. Also called: Paroxysmal non-kinesigenic dyskinesia. Identifiers: Orphanet 98810, MedGen C1869117, MONDO:0700088.

Submission:

Labcorp Genetics (formerly Invitae), Labcorp
Classification: Uncertain significance for Paroxysmal nonkinesigenic dyskinesia. Last evaluated: 2022-12-06. Review status: criteria provided, single submitter. Criteria: Invitae Variant Classification Sherloc (09022015). Collection method: clinical testing. Allele origin: germline.
Comment: In summary, the available evidence is currently insufficient to determine the role of this variant in disease. Therefore, it has been classified as a Variant of Uncertain Significance. Advanced modeling of protein sequence and biophysical properties (such as structural, functional, and spatial information, amino acid conservation, physicochemical variation, residue mobility, and thermodynamic stability) performed at Invitae indicates that this missense variant is not expected to disrupt PNKD protein function. This variant has not been reported in the literature in individuals affected with PNKD-related conditions. This variant is not present in population databases (gnomAD no frequency). This sequence change replaces glutamine, which is neutral and polar, with arginine, which is basic and polar, at codon 321 of the PNKD protein (p.Gln321Arg).

NM_015488.5(PNKD):c.962A>G (p.Gln321Arg)

Genes: CATIP-AS2 (CATIP antisense RNA 2; minus strand), PNKD (PNKD metallo-beta-lactamase domain containing; plus strand). Cytogenetic location: 2q35.
Variant type: single nucleotide variant.
Coding change: c.962A>G on transcript NM_015488.5 (MANE Select); coding-DNA position 962, A replaced by G.
Protein change: p.Gln321Arg; replaces glutamine 321 with arginine.
Molecular consequence: missense variant.
Genome position (GRCh38, 1-based): chr2:218,344,548, A>G. VCF-style: chr2-218344548-A-G. GRCh37 (hg19) VCF-style: chr2-219209271-A-G.
Other names: c.890A>G, p.Gln297Arg (NM_022572.5); short protein forms Q297R, Q321R.
Identifiers: ClinVar variation 2818871 (VCV002818871.3), dbSNP rs763849272, ClinGen allele CA350542961.